The following is an entry in ClinVar:

ClinVar aggregate classification (germline): Likely pathogenic (1 of 4 stars; one submission).

Conditions:
Joubert syndrome 18 (JBTS18). Identifiers: Orphanet 2754, MedGen C3553758, MONDO:0013896, OMIM 614815.
Orofacial-digital syndrome IV (OFD4). Also called: BARAITSER-BURN SYNDROME; MOHR-MAJEWSKI SYNDROME; OFD SYNDROME WITH TIBIAL DEFECTS; OFD SYNDROME, BARAITSER-BURN TYPE; OFDS IV; ORAL-FACIAL-DIGITAL SYNDROME, TYPE IV. Identifiers: Orphanet 2753, MedGen C0406727, MONDO:0009794, OMIM 258860.

Allele frequency attached by ClinVar (database versions not stated): gnomAD exomes below 0.00001.
gnomAD v4.1: 2 of 1,612,246 alleles (0.00012%); highest among the groups gnomAD compares: Admixed American, 0.0034%; no homozygotes.

Submission:

Labcorp Genetics (formerly Invitae), Labcorp
Classification: Likely pathogenic for Joubert syndrome 18; Orofacial-digital syndrome IV. Last evaluated: 2026-01-09. Review status: criteria provided, single submitter. Criteria: Invitae Variant Classification Sherloc (09022015). Collection method: clinical testing. Allele origin: germline.
Comment: This sequence change affects an acceptor splice site in intron 8 of the TCTN3 gene. It is expected to disrupt RNA splicing. Variants that disrupt the donor or acceptor splice site typically lead to a loss of protein function (PMID: 16199547), and loss-of-function variants in TCTN3 are known to be pathogenic (PMID: 2692869, 22883145, 25118024). This variant is present in population databases (rs777263669, gnomAD 0.006%). This variant has not been reported in the literature in individuals affected with TCTN3-related conditions. ClinVar contains an entry for this variant (Variation ID: 1346264). Algorithms developed to predict the effect of sequence changes on RNA splicing suggest that this variant may disrupt the consensus splice site. In summary, the currently available evidence indicates that the variant is pathogenic, but additional data are needed to prove that conclusively. Therefore, this variant has been classified as Likely Pathogenic.

Literature cited by the submitters: PubMed 16199547; PubMed 2692869; PubMed 22883145; PubMed 25118024.

NM_015631.6(TCTN3):c.970-2A>G

Gene: TCTN3 (tectonic family member 3; minus strand). Cytogenetic location: 10q24.1.
Variant type: single nucleotide variant.
Coding change: c.970-2A>G on transcript NM_015631.6 (MANE Select); the canonical splice acceptor site of the intron before coding-DNA position 970, A replaced by G.
Molecular consequence: splice acceptor variant. On other transcripts: intron variant (1).
Genome position (GRCh38, 1-based): chr10:95,684,626, T>C on the plus strand (A>G on the coding strand, the complement: TCTN3 is on the minus strand). VCF-style: chr10-95684626-T-C. GRCh37 (hg19) VCF-style: chr10-97444383-T-C.
Other names: c.652-997A>G (NM_001143973.2); c.889-2A>G (NM_001410982.1).
Identifiers: ClinVar variation 1346264 (VCV001346264.6), dbSNP rs777263669, ClinGen allele CA5620990.